The following is an entry in ClinVar:

NM_005876.5(SPEG):c.313G>A (p.Val105Met)

Gene: SPEG (striated muscle enriched protein kinase; plus strand). Cytogenetic location: 2q35.
Variant type: single nucleotide variant.
Coding change: c.313G>A on transcript NM_005876.5 (MANE Select); coding-DNA position 313, G replaced by A.
Protein change: p.Val105Met; replaces valine 105 with methionine.
Molecular consequence: missense variant.
Genome position (GRCh38, 1-based): chr2:219,435,290, G>A. VCF-style: chr2-219435290-G-A. GRCh37 (hg19) VCF-style: chr2-220300012-G-A.
Other names: short protein forms V105M.
Identifiers: ClinVar variation 2057010 (VCV002057010.4), dbSNP rs2545290276, ClinGen allele CA350704286.

ClinVar aggregate classification (germline): Uncertain significance (1 of 4 stars; one submission).

Allele frequency attached by ClinVar (database versions not stated): gnomAD exomes below 0.00001.
gnomAD v4.1: 1 of 1,518,256 alleles (0.000066%); highest among the groups gnomAD compares: Non-Finnish European, 0.000088%; no homozygotes.

Submission:

Labcorp Genetics (formerly Invitae), Labcorp
Classification: Uncertain significance. Last evaluated: 2022-01-17. Review status: criteria provided, single submitter. Criteria: Invitae Variant Classification Sherloc (09022015). Collection method: clinical testing. Allele origin: germline.
Comment: This variant has not been reported in the literature in individuals affected with SPEG-related conditions. This variant is not present in population databases (gnomAD no frequency). This sequence change replaces valine, which is neutral and non-polar, with methionine, which is neutral and non-polar, at codon 105 of the SPEG protein (p.Val105Met). Algorithms developed to predict the effect of missense changes on protein structure and function are either unavailable or do not agree on the potential impact of this missense change (SIFT: "Deleterious"; PolyPhen-2: "Probably Damaging"; Align-GVGD: "Class C0"). In summary, the available evidence is currently insufficient to determine the role of this variant in disease. Therefore, it has been classified as a Variant of Uncertain Significance.